The following is an entry in ClinVar:

NM_001370658.1(BTD):c.481A>G (p.Ser161Gly)

Gene: BTD (biotinidase; plus strand). Cytogenetic location: 3p25.1.
Variant type: single nucleotide variant.
Coding change: c.481A>G on transcript NM_001370658.1 (MANE Select); coding-DNA position 481, A replaced by G.
Protein change: p.Ser161Gly; replaces serine 161 with glycine.
Molecular consequence: missense variant. On other transcripts: intron variant (6).
Genome position (GRCh38, 1-based): chr3:15,644,397, A>G. VCF-style: chr3-15644397-A-G. GRCh37 (hg19) VCF-style: chr3-15685904-A-G.
Other names: c.541A>G (NM_000060.2); c.541A>G, p.Ser181Gly (NM_000060.4); c.481A>G, p.Ser161Gly (NM_001281723.4, NM_001281724.3, NM_001281725.3 and 18 more transcripts); c.399+2340A>G (NM_001370753.1, NM_001407400.1, NM_001407380.1 and 3 more transcripts); short protein forms S161G.
Identifiers: ClinVar variation 458807 (VCV000458807.11), dbSNP rs541012569, ClinGen allele CA2277340.
Genomic context (GRCh38, chr3:15,644,397, plus strand): 5'-ATGGCCATCAGGGGAGATATGTTCTTGGTGGCCAATCTTGGGACAAAGGAGCCTTGTCAT[A>G]GCAGTGACCCAAGGTGCCCAAAAGATGGGAGATACCAGTTCAACACAAATGTCGTGTTCA-3'
Protein context (NP_001357587.1, residues 151-171): ANLGTKEPCH[Ser161Gly]SDPRCPKDGR

ClinVar aggregate classification (germline): Uncertain significance. Review status: criteria provided, multiple submitters, no conflicts (2 of 4 stars). 5 submissions from 5 submitters: Uncertain significance (4). 1 of the submissions does not count toward it. Last evaluated 2025-03-27.

Conditions:
Inborn genetic diseases. Identifiers: MedGen C0950123, MeSH D030342.
Biotinidase deficiency. Also called: BTD deficiency; Late-onset biotin-responsive multiple carboxylase deficiency; Biotin deficiency. Identifiers: Orphanet 79241, MedGen C0220754, MONDO:0009665, OMIM 253260.

Allele frequency attached by ClinVar (database versions not stated): gnomAD 0.00001 and 0.00002; TOPMed 0.00001; gnomAD exomes 0.00004; ExAC 0.00005; 1000 Genomes Project 30x 0.00016; 1000 Genomes Project 0.00020.
gnomAD v4.1: 61 of 1,614,166 alleles (0.0038%); highest among the groups gnomAD compares: Middle Eastern, 0.049%; no homozygotes.

Submissions (5):

Women's Health and Genetics/Laboratory Corporation of America, LabCorp
Classification: Uncertain significance. Last evaluated: 2025-03-27. Review status: criteria provided, single submitter. Criteria: LabCorp Variant Classification Summary - May 2015. Collection method: clinical testing. Allele origin: germline.
Comment: Variant summary: BTD c.481A>G (p.Ser161Gly) results in a non-conservative amino acid change in the encoded protein sequence. Three of five in-silico tools predict a benign effect of the variant on protein function. The variant allele was found at a frequency of 4.4e-05 in 251418 control chromosomes. This frequency is not significantly higher than estimated for a pathogenic variant in BTD causing Biotinidase Deficiency (4.4e-05 vs 0.0046), allowing no conclusion about variant significance. c.481A>G has been reported in the literature in at-least one individual with juvenile Parkisonism and cognitive impairment, who carried a pathogenic BTD variant in trans, however this individual's biotinidase deficiency could not be confirmed via biochemical testing (example: Panigrahi_2024). This report does not provide unequivocal conclusions about association of the variant with Biotinidase Deficiency. To our knowledge, no experimental evidence demonstrating an impact on protein function has been reported. The following publication has been ascertained in the context of this evaluation (PMID: 38943247). ClinVar contains an entry for this variant (Variation ID: 458807). Based on the evidence outlined above, the variant was classified as uncertain significance.

Ambry Genetics
Classification: Uncertain significance for Inborn genetic diseases. Last evaluated: 2021-09-30. Review status: criteria provided, single submitter. Criteria: Ambry Variant Classification Scheme 2023. Collection method: clinical testing. Allele origin: germline.

Labcorp Genetics (formerly Invitae), Labcorp
Classification: Uncertain significance for Biotinidase deficiency. Last evaluated: 2021-09-01. Review status: criteria provided, single submitter. Criteria: Invitae Variant Classification Sherloc (09022015). Collection method: clinical testing. Allele origin: germline.
Comment: This sequence change replaces serine with glycine at codon 181 of the BTD protein (p.Ser181Gly). The serine residue is weakly conserved and there is a small physicochemical difference between serine and glycine. This variant is present in population databases (rs541012569, ExAC 0.03%). This variant has not been reported in the literature in individuals affected with BTD-related conditions. Algorithms developed to predict the effect of missense changes on protein structure and function output the following: SIFT: "Tolerated"; PolyPhen-2: "Benign"; Align-GVGD: "Class C0". The glycine amino acid residue is found in multiple mammalian species, which suggests that this missense change does not adversely affect protein function. In summary, the available evidence is currently insufficient to determine the role of this variant in disease. Therefore, it has been classified as a Variant of Uncertain Significance.

Blueprint Genetics
Classification: Uncertain significance. Last evaluated: 2021-06-30. Review status: criteria provided, single submitter. Criteria: ACMG Guidelines, 2015. Collection method: clinical testing. Allele origin: germline.

Natera, Inc.
Classification: Uncertain significance for Biotinidase deficiency. Last evaluated: 2020-01-24. Review status: no assertion criteria provided. Collection method: clinical testing. Allele origin: germline. Not counted in ClinVar's aggregate classification.

Literature cited by the submitters: PubMed 38943247 (cited by Women's Health and Genetics/Laboratory Corporation of America, LabCorp).